The following is an entry in ClinVar:

ClinVar aggregate classification (germline): Uncertain significance (1 of 4 stars; one submission).

Conditions:
Inborn genetic diseases. Identifiers: MedGen C0950123, MeSH D030342.

Allele frequency attached by ClinVar (database versions not stated): ExAC 0.00001; ESP Exome Variant Server 0.00015.

Submission:

Ambry Genetics
Classification: Uncertain significance for Inborn genetic diseases. Last evaluated: 2022-09-25. Review status: criteria provided, single submitter. Criteria: Ambry Variant Classification Scheme 2023. Collection method: clinical testing. Allele origin: germline.
Comment: The p.C285Y variant (also known as c.854G>A), located in coding exon 8 of the MDH2 gene, results from a G to A substitution at nucleotide position 854. The cysteine at codon 285 is replaced by tyrosine, an amino acid with highly dissimilar properties. This amino acid position is conserved. In addition, the in silico prediction for this alteration is inconclusive. Since supporting evidence is limited at this time, the clinical significance of this alteration remains unclear.

NM_005918.4(MDH2):c.854G>A (p.Cys285Tyr)

Gene: MDH2 (malate dehydrogenase 2; plus strand). Cytogenetic location: 7q11.23.
Variant type: single nucleotide variant.
Coding change: c.854G>A on transcript NM_005918.4 (MANE Select); coding-DNA position 854, G replaced by A.
Protein change: p.Cys285Tyr; replaces cysteine 285 with tyrosine.
Molecular consequence: missense variant.
Genome position (GRCh38, 1-based): chr7:76,064,922, G>A. VCF-style: chr7-76064922-G-A. GRCh37 (hg19) VCF-style: chr7-75694240-G-A.
Other names: c.728G>A, p.Cys243Tyr (NM_001282403.2); c.533G>A, p.Cys178Tyr (NM_001282404.2); short protein forms C285Y, C178Y, C243Y.
Identifiers: ClinVar variation 1763815 (VCV001763815.2), dbSNP rs148746442, ClinGen allele CA4305728.